The following is an entry in ClinVar:

NM_178822.5(IGSF10):c.6457A>G (p.Ile2153Val)

Gene: IGSF10 (immunoglobulin superfamily member 10; minus strand). Cytogenetic location: 3q25.1.
Variant type: single nucleotide variant.
Coding change: c.6457A>G on transcript NM_178822.5 (MANE Select); coding-DNA position 6457, A replaced by G.
Protein change: p.Ile2153Val; replaces isoleucine 2153 with valine.
Molecular consequence: missense variant.
Genome position (GRCh38, 1-based): chr3:151,438,104, T>C on the plus strand (A>G on the coding strand, the complement: IGSF10 is on the minus strand). VCF-style: chr3-151438104-T-C. GRCh37 (hg19) VCF-style: chr3-151155892-T-C.
Other names: c.394A>G, p.Ile132Val (NM_001178145.3, NM_001178146.3); c.6457A>G, p.Ile2153Val (NM_001385060.1, NM_001385061.1, NM_001385062.1 and 1 more transcripts); short protein forms I132V, I2153V.
Identifiers: ClinVar variation 3035993 (VCV003035993.4), dbSNP rs139802822, ClinGen allele CA2669504.

ClinVar aggregate classification (germline): Likely benign. Review status: criteria provided, single submitter (1 of 4 stars). 2 submissions from 2 submitters: Likely benign (1). 1 of the submissions does not count toward it. Last evaluated 2024-10-21.

Conditions:
IGSF10-related disorder. Also called: IGSF10-related condition.

Allele frequency attached by ClinVar (database versions not stated): ExAC 0.00014; 1000 Genomes Project 0.00040; gnomAD 0.00051; TOPMed 0.00056; 1000 Genomes Project 30x 0.00062; ESP Exome Variant Server 0.00069.
gnomAD v4.1: 141 of 1,614,182 alleles (0.0087%); highest among the groups gnomAD compares: African/African-American, 0.18%; no homozygotes.

Submissions (2):

Labcorp Genetics (formerly Invitae), Labcorp
Classification: Likely benign. Last evaluated: 2024-10-21. Review status: criteria provided, single submitter. Criteria: Invitae Variant Classification Sherloc (09022015). Collection method: clinical testing. Allele origin: germline.

PreventionGenetics, part of Exact Sciences
Classification: Likely benign for IGSF10-related condition. Last evaluated: 2022-04-06. Review status: no assertion criteria provided. Collection method: clinical testing. Allele origin: germline. Not counted in ClinVar's aggregate classification.
Comment: This variant is classified as likely benign based on ACMG/AMP sequence variant interpretation guidelines (Richards et al. 2015 PMID: 25741868, with internal and published modifications).